The following is an entry in ClinVar:

ClinVar aggregate classification (germline): Uncertain significance. Review status: criteria provided, multiple submitters, no conflicts (2 of 4 stars). 4 submissions from 4 submitters: Uncertain significance (4). Last evaluated 2025-06-09.

Conditions:
Catecholaminergic polymorphic ventricular tachycardia (CVPT). Also called: Catecholamine-induced polymorphic ventricular tachycardia. Identifiers: Orphanet 3286, MedGen C5574922, MONDO:0017990.
Cardiomyopathy (CMYO). Also called: Cardiomyopathies. Identifiers: Orphanet 167848, MedGen C0878544, MONDO:0004994, HP:0001638. Inheritance: Various modes of inheritance.
Catecholaminergic polymorphic ventricular tachycardia 1. Also called: VENTRICULAR TACHYCARDIA, STRESS-INDUCED POLYMORPHIC 1; VENTRICULAR TACHYCARDIA, CATECHOLAMINERGIC POLYMORPHIC, 1, WITH OR WITHOUT ATRIAL DYSFUNCTION AND/OR DILATED CARDIOMYOPATHY; RYR2-Related Catecholaminergic Polymorphic Ventricular Tachycardia. Identifiers: Orphanet 3286, MedGen C1631597, MONDO:0011484, OMIM 604772.

Allele frequency attached by ClinVar (database versions not stated): gnomAD 0.00001; gnomAD exomes 0.00001 and 0.00002; TOPMed 0.00002.
gnomAD v4.1: 29 of 1,613,250 alleles (0.0018%); highest among the groups gnomAD compares: African/African-American, 0.0027%; no homozygotes.

Submissions (4):

Labcorp Genetics (formerly Invitae), Labcorp
Classification: Uncertain significance for Catecholaminergic polymorphic ventricular tachycardia 1. Last evaluated: 2025-06-09. Review status: criteria provided, single submitter. Criteria: Invitae Variant Classification Sherloc (09022015). Collection method: clinical testing. Allele origin: germline.
Comment: This sequence change replaces aspartic acid, which is acidic and polar, with glycine, which is neutral and non-polar, at codon 2077 of the RYR2 protein (p.Asp2077Gly). This variant is present in population databases (no rsID available, gnomAD 0.003%). This variant has not been reported in the literature in individuals affected with RYR2-related conditions. ClinVar contains an entry for this variant (Variation ID: 463615). Invitae Evidence Modeling of protein sequence and biophysical properties (such as structural, functional, and spatial information, amino acid conservation, physicochemical variation, residue mobility, and thermodynamic stability) indicates that this missense variant is expected to disrupt RYR2 protein function with a positive predictive value of 95%. In summary, the available evidence is currently insufficient to determine the role of this variant in disease. Therefore, it has been classified as a Variant of Uncertain Significance.

GeneDx
Classification: Uncertain significance. Last evaluated: 2024-09-18. Review status: criteria provided, single submitter. Criteria: GeneDx Variant Classification Process June 2021. Collection method: clinical testing. Allele origin: germline. Affected: yes.
Comment: Not observed at significant frequency in large population cohorts (gnomAD); In silico analysis supports that this missense variant has a deleterious effect on protein structure/function; Has not been previously published as pathogenic or benign to our knowledge; Not located in one of the three hot-spot regions of the RYR2 gene, where the majority of pathogenic missense variants occur (PMID: 19926015); This variant is associated with the following publications: (PMID: 19926015)

Color Diagnostics, LLC DBA Color Health
Classification: Uncertain significance for Cardiomyopathy. Last evaluated: 2024-03-06. Review status: criteria provided, single submitter. Criteria: ACMG Guidelines, 2015. Collection method: clinical testing. Allele origin: germline.
Comment: This missense variant replaces aspartic acid with glycine at codon 2077 of the RYR2 protein. Computational prediction suggests that this variant may have deleterious impact on protein structure and function (internally defined REVEL score threshold >= 0.7, PMID: 27666373). To our knowledge, functional studies have not been reported for this variant. This variant has not been reported in individuals affected with RYR2-related disorders in the literature. This variant has been identified in 3/248600 chromosomes in the general population by the Genome Aggregation Database (gnomAD). The available evidence is insufficient to determine the role of this variant in disease conclusively. Therefore, this variant is classified as a Variant of Uncertain Significance.

All of Us Research Program, National Institutes of Health
Classification: Uncertain significance for Catecholaminergic polymorphic ventricular tachycardia. Last evaluated: 2023-12-13. Review status: criteria provided, single submitter. Criteria: ACMG Guidelines, 2015. Collection method: clinical testing. Allele origin: germline. Inheritance: Autosomal dominant inheritance. Observed: 4 variant alleles, 4 heterozygotes.
Comment: This missense variant replaces aspartic acid with glycine at codon 2077 of the RYR2 protein. Computational prediction suggests that this variant may have deleterious impact on protein structure and function (internally defined REVEL score threshold >= 0.7, PMID: 27666373). To our knowledge, functional studies have not been reported for this variant. This variant has not been reported in individuals affected with RYR2-related disorders in the literature. This variant has been identified in 3/248600 chromosomes in the general population by the Genome Aggregation Database (gnomAD). The available evidence is insufficient to determine the role of this variant in disease conclusively. Therefore, this variant is classified as a Variant of Uncertain Significance.

This study involves interpretation of variants in research participants for the purpose of population health screening. Participant phenotype was not available at the time of variant classification. Additional details can be found in publication PMID: 35346344, PMCID: PMC8962531

NM_001035.3(RYR2):c.6230A>G (p.Asp2077Gly)

Gene: RYR2 (ryanodine receptor 2; plus strand). Cytogenetic location: 1q43.
Variant type: single nucleotide variant.
Coding change: c.6230A>G on transcript NM_001035.3 (MANE Select); coding-DNA position 6230, A replaced by G.
Protein change: p.Asp2077Gly; replaces aspartic acid 2077 with glycine.
Molecular consequence: missense variant.
Genome position (GRCh38, 1-based): chr1:237,627,870, A>G. VCF-style: chr1-237627870-A-G. GRCh37 (hg19) VCF-style: chr1-237791170-A-G.
Other names: c.6230A>G, p.Asp2077Gly (LRG_402t1); short protein forms D2077G.
Identifiers: ClinVar variation 463615 (VCV000463615.16), dbSNP rs1415188748, ClinGen allele CA345410597.